The following is an entry in ClinVar:

ClinVar aggregate classification (germline): Uncertain significance (1 of 4 stars; one submission).

Submission:

Labcorp Genetics (formerly Invitae), Labcorp
Classification: Uncertain significance. Last evaluated: 2021-12-18. Review status: criteria provided, single submitter. Criteria: Invitae Variant Classification Sherloc (09022015). Collection method: clinical testing. Allele origin: germline.
Comment: Experimental studies and prediction algorithms are not available or were not evaluated, and the functional significance of this variant is currently unknown. This variant has not been reported in the literature in individuals affected with FOXI3-related conditions. This variant is not present in population databases (gnomAD no frequency). This sequence change creates a premature translational stop signal (p.Arg236Leufs*54) in the FOXI3 gene. While this is not anticipated to result in nonsense mediated decay, it is expected to disrupt the last 185 amino acid(s) of the FOXI3 protein. In summary, the available evidence is currently insufficient to determine the role of this variant in disease. Therefore, it has been classified as a Variant of Uncertain Significance.

NM_001135649.3(FOXI3):c.686_705dup (p.Arg236fs)

Gene: FOXI3 (forkhead box I3; minus strand). Cytogenetic location: 2p11.2.
Variant type: Duplication.
Coding change: c.686_705dup on transcript NM_001135649.3 (MANE Select); coding-DNA positions 686 to 705, 20 bases duplicated (TTGACAATGGGAACTTCCGT).
Protein change: p.Arg236fs; shifts the reading frame from arginine 236.
Molecular consequence: frameshift variant.
Genome position (GRCh38, 1-based): chr2:88,448,765-88,448,784, ACGGAAGTTCCCATTGTCAA duplicated on the plus strand (TTGACAATGGGAACTTCCGT on the coding strand, the reverse complement: FOXI3 is on the minus strand); duplicating any 20 consecutive bases within chr2:88,448,765-88,448,786 gives the same sequence; the c. name uses the placement nearest the transcript's 3' end. VCF-style (leftmost placement, unchanged base first): chr2-88448764-G-GACGGAAGTTCCCATTGTCAA. GRCh37 (hg19) VCF-style: chr2-88748283-G-GACGGAAGTTCCCATTGTCAA.
Other names: short protein forms R236fs.
Identifiers: ClinVar variation 2047198 (VCV002047198.4), dbSNP rs2528910480, ClinGen allele CA2580068337.